The following is an entry in ClinVar:

ClinVar aggregate classification (germline): Likely benign (0 of 4 stars; one submission).

Conditions:
DNAH7-related disorder. Also called: DNAH7-related condition.

Allele frequency attached by ClinVar (database versions not stated): gnomAD exomes below 0.00001; TOPMed 0.00002; gnomAD 0.00003.
gnomAD v4.1: 9 of 1,614,032 alleles (0.00056%); highest among the groups gnomAD compares: Admixed American, 0.0067%; no homozygotes.

Submission:

PreventionGenetics, part of Exact Sciences
Classification: Likely benign for DNAH7-related condition. Last evaluated: 2019-04-08. Review status: no assertion criteria provided. Collection method: clinical testing. Allele origin: germline.
Comment: This variant is classified as likely benign based on ACMG/AMP sequence variant interpretation guidelines (Richards et al. 2015 PMID: 25741868, with internal and published modifications).

NM_018897.3(DNAH7):c.10473C>T (p.His3491=)

Gene: DNAH7 (dynein axonemal heavy chain 7; minus strand). Cytogenetic location: 2q32.3.
Variant type: single nucleotide variant.
Coding change: c.10473C>T on transcript NM_018897.3 (MANE Select); coding-DNA position 10473, C replaced by T.
Protein change: p.His3491=; no amino-acid change (histidine 3491 retained).
Molecular consequence: synonymous variant.
Genome position (GRCh38, 1-based): chr2:195,796,618, G>A on the plus strand (C>T on the coding strand, the complement: DNAH7 is on the minus strand). VCF-style: chr2-195796618-G-A. GRCh37 (hg19) VCF-style: chr2-196661342-G-A.
Identifiers: ClinVar variation 3057809 (VCV003057809.2), dbSNP rs1016986013, ClinGen allele CA62734956.